The following is an entry in ClinVar:

NM_000466.3(PEX1):c.3208-9G>A

Genes: GATAD1 (GATA zinc finger domain containing 1; plus strand), PEX1 (peroxisomal biogenesis factor 1; minus strand). Cytogenetic location: 7q21.2.
Variant type: single nucleotide variant.
Coding change: c.3208-9G>A on transcript NM_000466.3 (MANE Select); 9 bases into the intron before coding-DNA position 3208, G replaced by A.
Molecular consequence: intron variant.
Genome position (GRCh38, 1-based): chr7:92,491,511, C>T on the plus strand (G>A on the coding strand, the complement: PEX1 is on the minus strand). VCF-style: chr7-92491511-C-T. GRCh37 (hg19) VCF-style: chr7-92120825-C-T.
Other names: c.3037-9G>A (NM_001282677.2); c.2584-9G>A (NM_001282678.2); c.3208-9G>A (NM_000466.2).
Identifiers: ClinVar variation 1132655 (VCV001132655.12), dbSNP rs1381356182, ClinGen allele CA456480881.
Genomic context (GRCh38, chr7:92,491,511, plus strand): 5'-GAAAGACCATTGAAGACAGACTTAGGTCACTATCAGAGCTGGAACTTCCATCCTAAAATA[C>T]ACAAAAGGACAACCAGTTTAAAGATGTAAACAATTTTAGTCTCAGAAATAAATAATAACA-3'

ClinVar aggregate classification (germline): Likely benign. Review status: criteria provided, multiple submitters, no conflicts (2 of 4 stars). 3 submissions from 3 submitters: Likely benign (2). 1 of the submissions does not count toward it. Last evaluated 2022-07-26.

Conditions:
PEX1-related disorder. Also called: PEX1-related condition.
Zellweger spectrum disorders (ZS). Also called: Zellweger syndrome; Zellweger Spectrum Disorder; Zellweger Spectrum; Zellweger Spectrum Disorder (ZSD). Identifiers: Orphanet 912, MedGen C0043459, MONDO:0019609.

gnomAD v4.1: 2 of 1,494,950 alleles (0.00013%); highest among the groups gnomAD compares: Non-Finnish European, 0.00019%; no homozygotes.

Submissions (3):

Blueprint Genetics
Classification: Likely benign. Last evaluated: 2022-07-26. Review status: criteria provided, single submitter. Criteria: ACMG Guidelines, 2015. Collection method: clinical testing. Allele origin: germline.

Labcorp Genetics (formerly Invitae), Labcorp
Classification: Likely benign for Zellweger spectrum disorders. Last evaluated: 2021-09-09. Review status: criteria provided, single submitter. Criteria: Invitae Variant Classification Sherloc (09022015). Collection method: clinical testing. Allele origin: germline.

PreventionGenetics, part of Exact Sciences
Classification: Likely benign for PEX1-related condition. Last evaluated: 2019-07-26. Review status: no assertion criteria provided. Collection method: clinical testing. Allele origin: germline. Not counted in ClinVar's aggregate classification.
Comment: This variant is classified as likely benign based on ACMG/AMP sequence variant interpretation guidelines (Richards et al. 2015 PMID: 25741868, with internal and published modifications).